The following is an entry in ClinVar:

ClinVar aggregate classification (germline): Pathogenic. Review status: criteria provided, multiple submitters, no conflicts (2 of 4 stars). 2 submissions from 2 submitters: Pathogenic (2). Last evaluated 2025-08-01.

Conditions:
Intellectual disability, X-linked 102 (MRXSSB). Also called: Intellectual developmental disorder, X-linked syndromic, Snijders Blok type. Identifiers: Orphanet 457260, MedGen C5393299, MONDO:0010497, OMIM 300958.

Submissions (2):

CeGaT Center for Human Genetics Tuebingen
Classification: Pathogenic. Last evaluated: 2025-08-01. Review status: criteria provided, single submitter. Criteria: CeGaT Center For Human Genetics Tuebingen Variant Classification Criteria Version 2. Collection method: clinical testing. Allele origin: germline. Affected: yes. Observed: 1 variant allele.
Comment: DDX3X: PVS1, PM2, PS2:Moderate

Genetics Laboratory, UDIAT-Centre Diagnòstic, Hospital Universitari Parc Tauli
Classification: Pathogenic for intellectual disability, X-linked 102. Last evaluated: 2023-07-31. Review status: criteria provided, single submitter. Criteria: ACMG Guidelines, 2015. Collection method: clinical testing. Allele origin: unknown. Inheritance: X-linked inheritance. Affected: yes.
Comment: PVS1_very strong;PM2_supporting;PM6_moderate

NM_001356.5(DDX3X):c.1466C>A (p.Ser489Ter)

Gene: DDX3X (DEAD-box helicase 3 X-linked; plus strand). Cytogenetic location: Xp11.4.
Variant type: single nucleotide variant.
Coding change: c.1466C>A on transcript NM_001356.5 (MANE Select); coding-DNA position 1466, C replaced by A.
Protein change: p.Ser489Ter; replaces serine 489 with a stop codon.
Molecular consequence: nonsense. On other transcripts: non-coding transcript variant (1).
Genome position (GRCh38, 1-based): chrX:41,346,379, C>A. VCF-style: chrX-41346379-C-A. GRCh37 (hg19) VCF-style: chrX-41205632-C-A.
Other names: c.1466C>A, p.Ser489Ter (NM_001193416.3); c.1418C>A, p.Ser473Ter (NM_001193417.3); c.908C>A, p.Ser303Ter (NM_001363819.1); short protein forms S303*, S473*, S489*.
Identifiers: ClinVar variation 3897597 (VCV003897597.9).
Genomic context (GRCh38, chrX:41,346,379, plus strand): 5'-CCAGCATCCATGGAGACCGTTCTCAGAGGGATAGAGAAGAGGCCCTTCACCAGTTCCGCT[C>A]AGGAAAAAGCCCAATTTTAGTGGCTACAGCAGTATGTATAAACATCTTTCTTTTATTCAA-3'